The following is an entry in ClinVar:

ClinVar aggregate classification (germline): Conflicting classifications of pathogenicity. Review status: criteria provided, conflicting classifications (1 of 4 stars). 9 submissions from 9 submitters: Uncertain significance (7); Likely benign (1). 1 of the submissions does not count toward it. Last evaluated 2025-11-04.

Conditions:
Hereditary cancer-predisposing syndrome. Also called: Neoplastic Syndromes, Hereditary; Tumor predisposition; Hereditary Cancer Syndrome; Hereditary neoplastic syndrome. Identifiers: Orphanet 140162, MedGen C0027672, MeSH D009386, MONDO:0015356.
BRCA2-related disorder. Also called: BRCA2-related condition; BRCA2-related disorders. Identifiers: MedGen CN239275.
Hereditary breast ovarian cancer syndrome. Also called: Hereditary breast and ovarian cancer syndrome; Hereditary breast and ovarian cancer; Hereditary breast and ovarian cancer syndrome (HBOC); Breast and ovarian cancer; Hereditary breast and/or ovarian cancer syndrome; BRCA1- and BRCA2-Associated Hereditary Breast and Ovarian Cancer. Identifiers: Orphanet 145, MedGen C0677776, MeSH D061325, MONDO:0003582. Disease mechanism: loss of function.
Breast-ovarian cancer, familial, susceptibility to, 2 (BROVCA2). Also called: BRCA2 Hereditary Breast and Ovarian Cancer. Identifiers: Orphanet 145, MedGen C2675520, MONDO:0012933, OMIM 612555. Disease mechanism: loss of function.

Allele frequency attached by ClinVar (database versions not stated): ExAC 0.00001; gnomAD exomes 0.00002.
gnomAD v4.1: 6 of 1,611,364 alleles (0.00037%); highest among the groups gnomAD compares: Admixed American, 0.0084%; no homozygotes.

Submissions (9):

Labcorp Genetics (formerly Invitae), Labcorp
Classification: Uncertain significance for Hereditary breast ovarian cancer syndrome. Last evaluated: 2025-11-04. Review status: criteria provided, single submitter. Criteria: Invitae Variant Classification Sherloc (09022015). Collection method: clinical testing. Allele origin: germline.
Comment: This sequence change replaces alanine, which is neutral and non-polar, with threonine, which is neutral and polar, at codon 1233 of the BRCA2 protein (p.Ala1233Thr). This variant is present in population databases (rs80358613, gnomAD 0.02%). This variant has not been reported in the literature in individuals affected with BRCA2-related conditions. ClinVar contains an entry for this variant (Variation ID: 51507). Invitae Evidence Modeling of protein sequence and biophysical properties (such as structural, functional, and spatial information, amino acid conservation, physicochemical variation, residue mobility, and thermodynamic stability) indicates that this missense variant is not expected to disrupt BRCA2 protein function with a negative predictive value of 95%. In summary, the available evidence is currently insufficient to determine the role of this variant in disease. Therefore, it has been classified as a Variant of Uncertain Significance.

Color Diagnostics, LLC DBA Color Health
Classification: Uncertain significance for Hereditary cancer-predisposing syndrome. Last evaluated: 2025-08-27. Review status: criteria provided, single submitter. Criteria: ACMG Guidelines, 2015. Collection method: clinical testing. Allele origin: germline.
Comment: This missense variant replaces alanine with threonine at codon 1233 of the BRCA2 protein. Computational prediction suggests that this variant may not impact protein structure and function. To our knowledge, functional studies have not been reported for this variant nor has this variant been reported as a germline variant in individuals affected with BRCA2-related disorders in the literature. This variant has been identified in 6/248936 chromosomes in the general population by the Genome Aggregation Database (gnomAD). The available evidence is insufficient to determine the role of this variant in disease conclusively. Therefore, this variant is classified as a Variant of Uncertain Significance.

Women's Health and Genetics/Laboratory Corporation of America, LabCorp
Classification: Uncertain significance. Last evaluated: 2025-05-05. Review status: criteria provided, single submitter. Criteria: LabCorp Variant Classification Summary - May 2015. Collection method: clinical testing. Allele origin: germline.
Comment: Variant summary: BRCA2 c.3697G>A (p.Ala1233Thr) results in a non-conservative amino acid change in the encoded protein sequence. Algorithms developed to predict the effect of missense changes on protein structure and function are either unavailable or do not agree on the potential impact of this missense change. The variant allele was found at a frequency of 2.4e-05 in 248936 control chromosomes. The available data on variant occurrences in the general population are insufficient to allow any conclusion about variant significance. To our knowledge, no occurrence of c.3697G>A in individuals affected with Hereditary Breast And Ovarian Cancer Syndrome and no experimental evidence demonstrating its impact on protein function have been reported. ClinVar contains an entry for this variant (Variation ID: 51507). Based on the evidence outlined above, the variant was classified as uncertain significance.

Quest Diagnostics Nichols Institute San Juan Capistrano
Classification: Uncertain significance. Last evaluated: 2024-07-24. Review status: criteria provided, single submitter. Criteria: Quest Diagnostics criteria. Collection method: clinical testing. Allele origin: unknown.
Comment: The BRCA2 c.3697G>A (p.Ala1233Thr) variant has been reported in the published literature in an individual with biliary tract cancer (PMID: 29416916 (2018)), and described to be located in a region of the BRCA2 gene that is tolerant to missense sequence changes (PMID: 31911673 (2020)). The frequency of this variant in the general population, 0.00015 (5/34100 chromosomes (Genome Aggregation Database)), is uninformative in the assessment of its pathogenicity. Analysis of this variant using bioinformatics tools for the prediction of the effect of amino acid changes on protein structure and function yielded conflicting predictions that this variant is benign or damaging. Based on the available information, we are unable to determine the clinical significance of this variant.

Ambry Genetics
Classification: Uncertain significance for Hereditary cancer-predisposing syndrome. Last evaluated: 2023-12-07. Review status: criteria provided, single submitter. Criteria: Ambry Variant Classification Scheme 2023. Collection method: clinical testing. Allele origin: germline.
Comment: The p.A1233T variant (also known as c.3697G>A), located in coding exon 10 of the BRCA2 gene, results from a G to A substitution at nucleotide position 3697. The alanine at codon 1233 is replaced by threonine, an amino acid with similar properties. This amino acid position is well conserved in available vertebrate species. In addition, the in silico prediction for this alteration is inconclusive. Since supporting evidence is limited at this time, the clinical significance of this alteration remains unclear.

PreventionGenetics, part of Exact Sciences
Classification: Uncertain significance for BRCA2-related condition. Last evaluated: 2023-05-17. Review status: criteria provided, single submitter. Criteria: ACMG Guidelines, 2015. Collection method: clinical testing. Allele origin: germline.
Comment: The BRCA2 c.3697G>A variant is predicted to result in the amino acid substitution p.Ala1233Thr. To our knowledge, this variant has not been reported with BRCA2-related disease in the literature. This variant is reported in 0.015% of alleles in individuals of Latino descent in gnomAD. In ClinVar, this variant has conflicting interpretations of likely benign and uncertain significance. At this time, the clinical significance of this variant is uncertain due to the absence of conclusive functional and genetic evidence.

University of Washington Department of Laboratory Medicine, University of Washington
Classification: Likely benign for Hereditary cancer-predisposing syndrome. Last evaluated: 2023-03-23. Review status: criteria provided, single submitter. Criteria: Dines et al. (Genet Med. 2020). Collection method: curation. Allele origin: germline.
Comment: Missense variant in a coldspot region where missense variants are very unlikely to be pathogenic (PMID:31911673).

BRCA2 exon 11 coldspot. Reclassification based on statistical prior probability.

Sema4
Classification: Uncertain significance for Hereditary cancer-predisposing syndrome. Last evaluated: 2021-11-04. Review status: criteria provided, single submitter. Criteria: Sema4 Curation Guidelines. Collection method: curation. Allele origin: germline.
Comment: To the best of our knowledge, the BRCA2 c.3697G>A (p.A1233T) variant has not been reported in individuals with BRCA2-related disease. This variant was observed in 5/34100 chromosomes in the Latino subpopulation according to the Genome Aggregation Database (PMID: 32461654), and has been reported in ClinVar (Variation ID: 51507). Functional studies have not been performed, and in silico predictions of the variant's effect on protein function are inconclusive. Based on the current evidence available, this variant is interpreted as a variant of uncertain significance.

Breast Cancer Information Core (BIC) (BRCA2)
Classification: Uncertain significance for Breast-ovarian cancer, familial 2. Last evaluated: 2001-10-29. Review status: no assertion criteria provided. Collection method: clinical testing. Allele origin: germline. Affected: yes. Observed: 1 variant allele. Not counted in ClinVar's aggregate classification.

Literature cited by the submitters: PubMed 29416916 (cited by Quest Diagnostics Nichols Institute San Juan Capistrano); PubMed 31911673 (cited by Quest Diagnostics Nichols Institute San Juan Capistrano); PubMed 26295337 (cited by Quest Diagnostics Nichols Institute San Juan Capistrano).

NM_000059.4(BRCA2):c.3697G>A (p.Ala1233Thr)

Gene: BRCA2 (BRCA2 DNA repair associated; plus strand). Cytogenetic location: 13q13.1.
Variant type: single nucleotide variant.
Coding change: c.3697G>A on transcript NM_000059.4 (MANE Select); coding-DNA position 3697, G replaced by A.
Protein change: p.Ala1233Thr; replaces alanine 1233 with threonine.
Molecular consequence: missense variant.
Genome position (GRCh38, 1-based): chr13:32,338,052, G>A. VCF-style: chr13-32338052-G-A. GRCh37 (hg19) VCF-style: chr13-32912189-G-A.
Other names: short protein forms A1233T.
Identifiers: ClinVar variation 51507 (VCV000051507.25), dbSNP rs80358613, ClinGen allele CA018594.